The following is an entry in ClinVar:

NC_000016.9:g.(?_28484798)_28497560del

Gene: CLN3 (CLN3 lysosomal/endosomal transmembrane protein, battenin; minus strand).
Variant type: Deletion.
Identifiers: ClinVar variation 1073957 (VCV001073957.2).

ClinVar aggregate classification (germline): Pathogenic (1 of 4 stars; one submission).

Conditions:
Neuronal ceroid lipofuscinosis. Also called: Neuronal Ceroid Lipofuscinoses. Identifiers: Orphanet 216, Orphanet 79263, MedGen C0027877, MONDO:0016295. Disease mechanism: loss of function.

Submission:

Labcorp Genetics (formerly Invitae), Labcorp
Classification: Pathogenic for Neuronal ceroid lipofuscinosis. Last evaluated: 2019-09-09. Review status: criteria provided, single submitter. Criteria: Invitae Variant Classification Sherloc (09022015). Collection method: clinical testing. Allele origin: germline.
Comment: This variant is a gross deletion of the genomic region encompassing exons 10-16 of the CLN3 gene. The 5' boundary is likely confined to intron 9. The 3' end of this event is unknown as it extends through the termination codon beyond the assayed region for this gene and may encompass additional genes. While this deletion is not anticipated to result in nonsense mediated decay, it is expected to create a truncated protein product or disrupt mRNA translation. This variant has been observed in individual(s) with clinical features of retinitis pigmentosa (Inivtae). In at least one individual the data is consistent with the variant being in trans (on the opposite chromosome) from a pathogenic variant. This variant disrupts the p.Arg405 amino acid residue in CLN3. Other variant(s) that disrupt this residue have been determined to be pathogenic (PMID: 28041643, 24154662, 26766544, 28559085). This suggests that this residue is clinically significant, and that variants that disrupt this residue are likely to be disease-causing. For these reasons, this variant has been classified as Pathogenic.

Literature cited by the submitters: PubMed 28041643; PubMed 24154662; PubMed 26766544; PubMed 28559085.